The following is an entry in ClinVar:

NM_001376.5(DYNC1H1):c.10174A>G (p.Met3392Val)

Gene: DYNC1H1 (dynein cytoplasmic 1 heavy chain 1; plus strand). Cytogenetic location: 14q32.31.
Variant type: single nucleotide variant.
Coding change: c.10174A>G on transcript NM_001376.5 (MANE Select); coding-DNA position 10174, A replaced by G.
Protein change: p.Met3392Val; replaces methionine 3392 with valine.
Molecular consequence: missense variant.
Genome position (GRCh38, 1-based): chr14:102,033,159, A>G. VCF-style: chr14-102033159-A-G. GRCh37 (hg19) VCF-style: chr14-102499496-A-G.
Other names: short protein forms M3392V.
Identifiers: ClinVar variation 1469981 (VCV001469981.8), dbSNP rs2152591694, ClinGen allele CA391022571.
Genomic context (GRCh38, chr14:102,033,159, plus strand): 5'-ATGTCCAATCCAAGTTACAATTATGAAATTGTGAATCGGGCTTCCCTGGCTTGCGGCCCT[A>G]TGGTGAAATGGGCAATTGCACAGGTGATTAACACAGCCAGGAGCTCCCGTGTGAAAGGTG-3'
Protein context (NP_001367.2, residues 3382-3402): VNRASLACGP[Met3392Val]VKWAIAQLNY

ClinVar aggregate classification (germline): Uncertain significance (1 of 4 stars; one submission).

Conditions:
Charcot-Marie-Tooth disease axonal type 2O. Also called: CHARCOT-MARIE-TOOTH NEUROPATHY, AXONAL, TYPE 2O; CHARCOT-MARIE-TOOTH DISEASE, AXONAL, AUTOSOMAL DOMINANT, TYPE 2O; Charcot-Marie-Tooth Neuropathy Type 2O; Charcot-Marie-Tooth disease, axonal, type 20. Identifiers: Orphanet 284232, MedGen C3280220, MONDO:0013644, OMIM 614228.

Submission:

Labcorp Genetics (formerly Invitae), Labcorp
Classification: Uncertain significance for Charcot-Marie-Tooth disease axonal type 2O. Last evaluated: 2020-12-30. Review status: criteria provided, single submitter. Criteria: Invitae Variant Classification Sherloc (09022015). Collection method: clinical testing. Allele origin: germline.
Comment: This sequence change replaces methionine with valine at codon 3392 of the DYNC1H1 protein (p.Met3392Val). The methionine residue is highly conserved and there is a small physicochemical difference between methionine and valine. This variant is not present in population databases (ExAC no frequency). This variant has been observed in individual(s) with epileptic encephalopathy (PMID: 28325891). Advanced modeling of protein sequence and biophysical properties (such as structural, functional, and spatial information, amino acid conservation, physicochemical variation, residue mobility, and thermodynamic stability) performed at Invitae indicates that this missense variant is not expected to disrupt DYNC1H1 protein function. In summary, the available evidence is currently insufficient to determine the role of this variant in disease. Therefore, it has been classified as a Variant of Uncertain Significance.

Literature cited by the submitters: PubMed 28325891.